The following is an entry in ClinVar:

ClinVar aggregate classification (germline): Uncertain significance (1 of 4 stars; one submission).

Conditions:
Inborn genetic diseases. Identifiers: MedGen C0950123, MeSH D030342.

Submission:

Ambry Genetics
Classification: Uncertain significance for Inborn genetic diseases. Last evaluated: 2025-04-11. Review status: criteria provided, single submitter. Criteria: Ambry Variant Classification Scheme 2023. Collection method: clinical testing. Allele origin: germline.
Comment: The p.P698S variant (also known as c.2092C>T), located in coding exon 13 of the ASXL1 gene, results from a C to T substitution at nucleotide position 2092. The proline at codon 698 is replaced by serine, an amino acid with similar properties. This amino acid position is conserved. In addition, this alteration is predicted to be tolerated by in silico analysis. Based on the available evidence, the clinical significance of this variant remains unclear.

NM_015338.6(ASXL1):c.2092C>T (p.Pro698Ser)

Gene: ASXL1 (ASXL transcriptional regulator 1; plus strand). Cytogenetic location: 20q11.21.
Variant type: single nucleotide variant.
Coding change: c.2092C>T on transcript NM_015338.6 (MANE Select); coding-DNA position 2092, C replaced by T.
Protein change: p.Pro698Ser; replaces proline 698 with serine.
Molecular consequence: missense variant.
Genome position (GRCh38, 1-based): chr20:32,434,804, C>T. VCF-style: chr20-32434804-C-T. GRCh37 (hg19) VCF-style: chr20-31022607-C-T.
Other names: c.1909C>T, p.Pro637Ser (NM_001363734.1); short protein forms P698S, P637S.
Identifiers: ClinVar variation 3956080 (VCV003956080.1).